The following is an entry in ClinVar:

ClinVar aggregate classification (germline): Uncertain significance. Review status: criteria provided, multiple submitters, no conflicts (2 of 4 stars). 2 submissions from 2 submitters: Uncertain significance (2). Last evaluated 2025-04-10.

Conditions:
Inborn genetic diseases. Identifiers: MedGen C0950123, MeSH D030342.
Neuronopathy, distal hereditary motor, autosomal recessive 4. Also called: Autosomal recessive lower motor neuron disease with childhood onset; NEUROPATHY, DISTAL HEREDITARY MOTOR, AUTOSOMAL RECESSIVE 4. Identifiers: Orphanet 206580, MedGen C1970211, MONDO:0012608, OMIM 611067.
Charcot-Marie-Tooth disease recessive intermediate C. Also called: CHARCOT-MARIE-TOOTH NEUROPATHY, RECESSIVE INTERMEDIATE C. Identifiers: Orphanet 369867, MedGen C3809309, MONDO:0014154, OMIM 615376.

Allele frequency attached by ClinVar (database versions not stated): gnomAD 0.00002 and 0.00004; gnomAD exomes 0.00003 and 0.00005; TOPMed 0.00005; ESP Exome Variant Server 0.00008; ExAC 0.00010; 1000 Genomes Project 30x 0.00016; 1000 Genomes Project 0.00020.
gnomAD v4.1: 81 of 1,605,186 alleles (0.005%); highest among the groups gnomAD compares: Non-Finnish European, 0.0065%; no homozygotes.

Submissions (2):

Ambry Genetics
Classification: Uncertain significance for Inborn genetic diseases. Last evaluated: 2025-04-10. Review status: criteria provided, single submitter. Criteria: Ambry Variant Classification Scheme 2023. Collection method: clinical testing. Allele origin: germline.

Labcorp Genetics (formerly Invitae), Labcorp
Classification: Uncertain significance for Neuronopathy, distal hereditary motor, autosomal recessive 4; Charcot-Marie-Tooth disease recessive intermediate C. Last evaluated: 2022-09-27. Review status: criteria provided, single submitter. Criteria: Invitae Variant Classification Sherloc (09022015). Collection method: clinical testing. Allele origin: germline.
Comment: This sequence change replaces serine, which is neutral and polar, with phenylalanine, which is neutral and non-polar, at codon 256 of the PLEKHG5 protein (p.Ser256Phe). This variant is present in population databases (rs376782083, gnomAD 0.007%). This variant has not been reported in the literature in individuals affected with PLEKHG5-related conditions. ClinVar contains an entry for this variant (Variation ID: 580271). Algorithms developed to predict the effect of missense changes on protein structure and function are either unavailable or do not agree on the potential impact of this missense change (SIFT: "Deleterious"; PolyPhen-2: "Possibly Damaging"; Align-GVGD: "Class C0"). In summary, the available evidence is currently insufficient to determine the role of this variant in disease. Therefore, it has been classified as a Variant of Uncertain Significance.

NM_020631.6(PLEKHG5):c.767C>T (p.Ser256Phe)

Gene: PLEKHG5 (pleckstrin homology and RhoGEF domain containing G5; minus strand). Cytogenetic location: 1p36.31.
Variant type: single nucleotide variant.
Coding change: c.767C>T on transcript NM_020631.6 (MANE Select); coding-DNA position 767, C replaced by T.
Protein change: p.Ser256Phe; replaces serine 256 with phenylalanine.
Molecular consequence: missense variant.
Genome position (GRCh38, 1-based): chr1:6,473,279, G>A on the plus strand (C>T on the coding strand, the complement: PLEKHG5 is on the minus strand). VCF-style: chr1-6473279-G-A. GRCh37 (hg19) VCF-style: chr1-6533339-G-A.
Other names: c.767C>T, p.Ser256Phe (NM_001042664.2, NM_001042665.2, NM_001265594.3 and 1 more transcripts); c.878C>T, p.Ser293Phe (NM_001042663.3, NM_001265592.2); c.974C>T, p.Ser325Phe (NM_001265593.2); short protein forms S256F, S325F, S293F.
Identifiers: ClinVar variation 580271 (VCV000580271.11), dbSNP rs376782083, ClinGen allele CA561762.